The following is an entry in ClinVar:

NM_001387690.1(KATNAL2):c.52-17160C>T

Gene: KATNAL2 (katanin catalytic subunit A1 like 2; plus strand). Cytogenetic location: 18q21.1.
Variant type: single nucleotide variant.
Coding change: c.52-17160C>T on transcript NM_001387690.1 (MANE Select); 17160 bases into the intron before coding-DNA position 52, C replaced by T.
Molecular consequence: intron variant.
Genome position (GRCh38, 1-based): chr18:47,029,297, C>T. VCF-style: chr18-47029297-C-T. GRCh37 (hg19) VCF-style: chr18-44555668-C-T.
Other names: c.-1-28938C>T (NM_001353904.1, NM_001353903.1, NM_001353907.1 and 3 more transcripts); c.130-17160C>T (NM_001353899.1, NM_001353900.1, NM_001353902.1); c.52-17160C>T (NM_001353901.1, NM_001367621.1); c.-294-17160C>T (NM_001353905.1); c.-94-23583C>T (NM_031303.3).
Identifiers: ClinVar variation 5041406 (VCV005041406.1).
Genomic context (GRCh38, chr18:47,029,297, plus strand): 5'-CTGAGCGGCGTGAGCGTGGCCTCTTCCGGGTTGCTCCCCGGGCACAGCGGGCTCAGGGCC[C>T]TCGGGCATCGGGAGGGGAGCGGTGCGCGTTGGAGGGTCCCGATGGGGGCCGGAATCAGCT-3'

ClinVar aggregate classification (germline): Likely benign (1 of 4 stars; one submission).

Submission:

CeGaT Center for Human Genetics Tuebingen
Classification: Likely benign. Last evaluated: 2026-09-01. Review status: criteria provided, single submitter. Criteria: CeGaT Center For Human Genetics Tuebingen Variant Classification Criteria Version 2. Collection method: clinical testing. Allele origin: germline. Affected: yes. Observed: 1 variant allele.
Comment: ELOA3P: BP4, BP7